The following is an entry in ClinVar:

ClinVar aggregate classification (germline): Uncertain significance (1 of 4 stars; one submission).

Submission:

Labcorp Genetics (formerly Invitae), Labcorp
Classification: Uncertain significance. Last evaluated: 2022-09-27. Review status: criteria provided, single submitter. Criteria: Invitae Variant Classification Sherloc (09022015). Collection method: clinical testing. Allele origin: germline.
Comment: This sequence change replaces proline, which is neutral and non-polar, with threonine, which is neutral and polar, at codon 1054 of the PLEKHG2 protein (p.Pro1054Thr). This variant is not present in population databases (gnomAD no frequency). This variant has not been reported in the literature in individuals affected with PLEKHG2-related conditions. ClinVar contains an entry for this variant (Variation ID: 1374829). Algorithms developed to predict the effect of missense changes on protein structure and function output the following: SIFT: "Tolerated"; PolyPhen-2: "Benign"; Align-GVGD: "Class C0". The threonine amino acid residue is found in multiple mammalian species, which suggests that this missense change does not adversely affect protein function. In summary, the available evidence is currently insufficient to determine the role of this variant in disease. Therefore, it has been classified as a Variant of Uncertain Significance.

NM_022835.3(PLEKHG2):c.3160C>A (p.Pro1054Thr)

Gene: PLEKHG2 (pleckstrin homology and RhoGEF domain containing G2; plus strand). Cytogenetic location: 19q13.2.
Variant type: single nucleotide variant.
Coding change: c.3160C>A on transcript NM_022835.3 (MANE Select); coding-DNA position 3160, C replaced by A.
Protein change: p.Pro1054Thr; replaces proline 1054 with threonine.
Molecular consequence: missense variant. On other transcripts: intron variant (1).
Genome position (GRCh38, 1-based): chr19:39,424,293, C>A. VCF-style: chr19-39424293-C-A. GRCh37 (hg19) VCF-style: chr19-39914933-C-A.
Other names: c.2983C>A, p.Pro995Thr (NM_001351693.2); c.1678-945C>A (NM_001351694.2); short protein forms P1054T, P995T.
Identifiers: ClinVar variation 1374829 (VCV001374829.6), dbSNP rs2146020440, ClinGen allele CA405803637.